The following is an entry in ClinVar:

NM_000334.4(SCN4A):c.5264G>A (p.Arg1755His)

Genes: GH-LCR (growth hormone locus control region; plus strand), SCN4A (sodium voltage-gated channel alpha subunit 4; minus strand). Cytogenetic location: 17q23.3.
Variant type: single nucleotide variant.
Coding change: c.5264G>A on transcript NM_000334.4 (MANE Select); coding-DNA position 5264, G replaced by A.
Protein change: p.Arg1755His; replaces arginine 1755 with histidine.
Molecular consequence: missense variant.
Genome position (GRCh38, 1-based): chr17:63,941,018, C>T on the plus strand (G>A on the coding strand, the complement: SCN4A is on the minus strand). VCF-style: chr17-63941018-C-T. GRCh37 (hg19) VCF-style: chr17-62018378-C-T.
Other names: short protein forms R1755H.
Identifiers: ClinVar variation 1022523 (VCV001022523.12), dbSNP rs373278632, ClinGen allele CA8708798.

ClinVar aggregate classification (germline): Uncertain significance. Review status: criteria provided, multiple submitters, no conflicts (2 of 4 stars). 4 submissions from 4 submitters: Uncertain significance (4). Last evaluated 2026-01-26.

Conditions:
Inborn genetic diseases. Identifiers: MedGen C0950123, MeSH D030342.
Potassium-aggravated myotonia. Also called: Myotonia congenita, atypical, acetazolamide-responsive; MYOTONIA CONGENITA, ACETAZOLAMIDE-RESPONSIVE; MYOTONIA CONGENITA, ATYPICAL; SODIUM CHANNEL MUSCLE DISEASE. Identifiers: Orphanet 612, Orphanet 99734, Orphanet 99735, Orphanet 99736, MedGen C2931826, MONDO:0018959, OMIM 608390.
Congenital myasthenic syndrome 16. Identifiers: Orphanet 590, MedGen C3280112, MONDO:0013620, OMIM 614198.
Paramyotonia congenita of Von Eulenburg. Also called: Paramyotonia Congenita; PARALYSIS PERIODICA PARAMYOTONICA; Eulenburg disease; Myotonia congenita intermittens; Von Eulenburg paramyotonia congenita. Identifiers: Orphanet 684, MedGen C0221055, MONDO:0008195, OMIM 168300. Disease mechanism: loss of function.
Hypokalemic periodic paralysis, type 2 (HOKPP2). Identifiers: Orphanet 681, MedGen C2750061, MONDO:0013234, OMIM 613345.
Congenital myopathy 22A, classic (CMYO22A). Identifiers: MedGen C5830453, MONDO:0957247, OMIM 620351.
Congenital myopathy 22B, severe fetal (CMYO22B). Identifiers: MedGen C5830501, MONDO:0957265, OMIM 620369.
Hyperkalemic periodic paralysis. Also called: Familial hyperkalemic periodic paralysis; Gamstorp disease. Identifiers: Orphanet 682, MedGen C0238357, MONDO:0008224, OMIM 170500, HP:0007215.

Allele frequency attached by ClinVar (database versions not stated): gnomAD exomes 0.00001; TOPMed 0.00003; gnomAD 0.00004 and 0.00003; ESP Exome Variant Server 0.00008.
gnomAD v4.1: 35 of 1,613,658 alleles (0.0022%); highest among the groups gnomAD compares: Non-Finnish European, 0.0025%; no homozygotes.

Submissions (4):

Labcorp Genetics (formerly Invitae), Labcorp
Classification: Uncertain significance for Hyperkalemic periodic paralysis. Last evaluated: 2026-01-26. Review status: criteria provided, single submitter. Criteria: Invitae Variant Classification Sherloc (09022015). Collection method: clinical testing. Allele origin: germline.
Comment: This sequence change replaces arginine, which is basic and polar, with histidine, which is basic and polar, at codon 1755 of the SCN4A protein (p.Arg1755His). This variant is present in population databases (rs373278632, gnomAD 0.003%). This variant has not been reported in the literature in individuals affected with SCN4A-related conditions. ClinVar contains an entry for this variant (Variation ID: 1022523). Invitae Evidence Modeling of protein sequence and biophysical properties (such as structural, functional, and spatial information, amino acid conservation, physicochemical variation, residue mobility, and thermodynamic stability) indicates that this missense variant is not expected to disrupt SCN4A protein function with a negative predictive value of 95%. In summary, the available evidence is currently insufficient to determine the role of this variant in disease. Therefore, it has been classified as a Variant of Uncertain Significance.

Ambry Genetics
Classification: Uncertain significance for Inborn genetic diseases. Last evaluated: 2025-09-24. Review status: criteria provided, single submitter. Criteria: Ambry Variant Classification Scheme 2023. Collection method: clinical testing. Allele origin: germline.

Fulgent Genetics
Classification: Uncertain significance for Paramyotonia congenita of Von Eulenburg; Hyperkalemic periodic paralysis; Potassium-aggravated myotonia; Hypokalemic periodic paralysis, type 2; Congenital myasthenic syndrome 16; Congenital myopathy 22A, classic; Congenital myopathy 22B, severe fetal. Last evaluated: 2024-01-05. Review status: criteria provided, single submitter. Criteria: ACMG Guidelines, 2015. Collection method: clinical testing. Allele origin: germline.

Revvity Omics, Revvity
Classification: Uncertain significance. Last evaluated: 2019-06-27. Review status: criteria provided, single submitter. Criteria: ACMG Guidelines, 2015. Collection method: clinical testing. Allele origin: germline.